The following is an entry in ClinVar:

ClinVar aggregate classification (germline): Uncertain significance. Review status: criteria provided, multiple submitters, no conflicts (2 of 4 stars). 2 submissions from 2 submitters: Uncertain significance (2). Last evaluated 2025-06-18.

Conditions:
Inborn genetic diseases. Identifiers: MedGen C0950123, MeSH D030342.

Allele frequency attached by ClinVar (database versions not stated): gnomAD 0.00002; TOPMed 0.00003.
gnomAD v4.1: 7 of 1,397,344 alleles (0.0005%); highest among the groups gnomAD compares: African/African-American, 0.0091%; no homozygotes.

Submissions (2):

Ambry Genetics
Classification: Uncertain significance for Inborn genetic diseases. Last evaluated: 2025-06-18. Review status: criteria provided, single submitter. Criteria: Ambry Variant Classification Scheme 2023. Collection method: clinical testing. Allele origin: germline.

Labcorp Genetics (formerly Invitae), Labcorp
Classification: Uncertain significance. Last evaluated: 2023-07-17. Review status: criteria provided, single submitter. Criteria: Invitae Variant Classification Sherloc (09022015). Collection method: clinical testing. Allele origin: germline.
Comment: Experimental studies and prediction algorithms are not available or were not evaluated, and the functional significance of this variant is currently unknown. In summary, the available evidence is currently insufficient to determine the role of this variant in disease. Therefore, it has been classified as a Variant of Uncertain Significance. ClinVar contains an entry for this variant (Variation ID: 1492273). This variant has not been reported in the literature in individuals affected with TTC19-related conditions. This variant is not present in population databases (gnomAD no frequency). This sequence change replaces alanine, which is neutral and non-polar, with threonine, which is neutral and polar, at codon 17 of the TTC19 protein (p.Ala17Thr).

NM_017775.4(TTC19):c.49G>A (p.Ala17Thr)

Genes: TTC19 (tetratricopeptide repeat domain 19; plus strand), LOC130060311 (ATAC-STARR-seq lymphoblastoid silent region 8214; plus strand). Cytogenetic location: 17p12.
Variant type: single nucleotide variant.
Coding change: c.49G>A on transcript NM_017775.4 (MANE Select); coding-DNA position 49, G replaced by A.
Protein change: p.Ala17Thr; replaces alanine 17 with threonine.
Molecular consequence: missense variant. On other transcripts: 5 prime UTR variant (1).
Genome position (GRCh38, 1-based): chr17:15,999,897, G>A. VCF-style: chr17-15999897-G-A. GRCh37 (hg19) VCF-style: chr17-15903211-G-A.
Other names: c.-410G>A (NM_001271420.2); c.412G>A (NM_017775.2); short protein forms A17T.
Identifiers: ClinVar variation 1492273 (VCV001492273.11), dbSNP rs1970661570, ClinGen allele CA398382116.